The following is an entry in ClinVar:

ClinVar aggregate classification (germline): Uncertain significance (1 of 4 stars; one submission).

Conditions:
Immunodeficiency 104. Also called: SCID, AUTOSOMAL RECESSIVE, T CELL-NEGATIVE, B CELL-POSITIVE, NK CELL-POSITIVE; Severe Combined Immune Deficiency, Autosomal Recessive, TCell -Negative, B Cell-Positive, NK Cell-Positive, IL7R-Related; Severe combined immunodeficiency, autosomal recessive, T cell-negative, B cell-positive, NK cell-positive; IMMUNODEFICIENCY 104, SEVERE COMBINED. Identifiers: MedGen C5676890, MONDO:0012163, OMIM 608971.

Allele frequency attached by ClinVar (database versions not stated): gnomAD exomes below 0.00001.
gnomAD v4.1: 1 of 1,614,214 alleles (0.000062%); highest among the groups gnomAD compares: Middle Eastern, 0.016%; no homozygotes.

Submission:

Labcorp Genetics (formerly Invitae), Labcorp
Classification: Uncertain significance for Immunodeficiency 104. Last evaluated: 2020-02-21. Review status: criteria provided, single submitter. Criteria: Invitae Variant Classification Sherloc (09022015). Collection method: clinical testing. Allele origin: germline.
Comment: This variant is not present in population databases (ExAC no frequency). In summary, the available evidence is currently insufficient to determine the role of this variant in disease. Therefore, it has been classified as a Variant of Uncertain Significance. Algorithms developed to predict the effect of missense changes on protein structure and function output the following: SIFT: "Tolerated"; PolyPhen-2: "Benign"; Align-GVGD: "Class C0". The leucine amino acid residue is found in multiple mammalian species, suggesting that this missense change does not adversely affect protein function. These predictions have not been confirmed by published functional studies and their clinical significance is uncertain. This variant has not been reported in the literature in individuals with IL7R-related conditions. This sequence change replaces phenylalanine with leucine at codon 328 of the IL7R protein (p.Phe328Leu). The phenylalanine residue is weakly conserved and there is a small physicochemical difference between phenylalanine and leucine.

NM_002185.5(IL7R):c.982T>C (p.Phe328Leu)

Gene: IL7R (interleukin 7 receptor; plus strand). Cytogenetic location: 5p13.2.
Variant type: single nucleotide variant.
Coding change: c.982T>C on transcript NM_002185.5 (MANE Select); coding-DNA position 982, T replaced by C.
Protein change: p.Phe328Leu; replaces phenylalanine 328 with leucine.
Molecular consequence: missense variant. On other transcripts: non-coding transcript variant (1).
Genome position (GRCh38, 1-based): chr5:35,876,088, T>C. VCF-style: chr5-35876088-T-C. GRCh37 (hg19) VCF-style: chr5-35876190-T-C.
Other names: short protein forms F328L.
Identifiers: ClinVar variation 1042124 (VCV001042124.11), dbSNP rs1760200356, ClinGen allele CA359432472.